The following is an entry in ClinVar:

NM_000443.4(ABCB4):c.2289T>G (p.Ile763Met)

Gene: ABCB4 (ATP binding cassette subfamily B member 4; minus strand). Cytogenetic location: 7q21.12.
Variant type: single nucleotide variant.
Coding change: c.2289T>G on transcript NM_000443.4 (MANE Select); coding-DNA position 2289, T replaced by G.
Protein change: p.Ile763Met; replaces isoleucine 763 with methionine.
Molecular consequence: missense variant.
Genome position (GRCh38, 1-based): chr7:87,422,148, A>C on the plus strand (T>G on the coding strand, the complement: ABCB4 is on the minus strand). VCF-style: chr7-87422148-A-C. GRCh37 (hg19) VCF-style: chr7-87051464-A-C.
Other names: c.2289T>G, p.Ile763Met (NM_018849.3, NM_018850.3); c.2289T>G (NM_000443.3); short protein forms I763M.
Identifiers: ClinVar variation 593288 (VCV000593288.10), dbSNP rs777880618, ClinGen allele CA4327069.

ClinVar aggregate classification (germline): Uncertain significance. Review status: criteria provided, multiple submitters, no conflicts (2 of 4 stars). 4 submissions from 4 submitters: Uncertain significance (4). Last evaluated 2026-01-20.

Conditions:
ABCB4-related disorder. Also called: ABCB4-related disorders; ABCB4-related condition.

Allele frequency attached by ClinVar (database versions not stated): gnomAD 0.00001; gnomAD exomes 0.00002 and 0.00006; TOPMed 0.00003; ExAC 0.00004.
gnomAD v4.1: 15 of 1,612,584 alleles (0.00093%); highest among the groups gnomAD compares: Admixed American, 0.025%; no homozygotes.

Submissions (4):

Labcorp Genetics (formerly Invitae), Labcorp
Classification: Uncertain significance. Last evaluated: 2026-01-20. Review status: criteria provided, single submitter. Criteria: Invitae Variant Classification Sherloc (09022015). Collection method: clinical testing. Allele origin: germline.
Comment: This sequence change replaces isoleucine, which is neutral and non-polar, with methionine, which is neutral and non-polar, at codon 763 of the ABCB4 protein (p.Ile763Met). This variant is present in population databases (rs777880618, gnomAD 0.04%). This variant has not been reported in the literature in individuals affected with ABCB4-related conditions. ClinVar contains an entry for this variant (Variation ID: 593288). Invitae Evidence Modeling of protein sequence and biophysical properties (such as structural, functional, and spatial information, amino acid conservation, physicochemical variation, residue mobility, and thermodynamic stability) indicates that this missense variant is not expected to disrupt ABCB4 protein function with a negative predictive value of 80%. In summary, the available evidence is currently insufficient to determine the role of this variant in disease. Therefore, it has been classified as a Variant of Uncertain Significance.

PreventionGenetics, part of Exact Sciences
Classification: Uncertain significance for ABCB4-related condition. Last evaluated: 2025-10-28. Review status: criteria provided, single submitter. Criteria: ACMG Guidelines, 2015. Collection method: clinical testing. Allele origin: germline.
Comment: The ABCB4 c.2289T>G variant is predicted to result in the amino acid substitution p.Ile763Met. To our knowledge, this variant has not been reported in the literature. This variant is reported in 0.041% of alleles in individuals of Latino descent in gnomAD. An alternate missense change at the same amino acid position (c.2288T>C, Ile763Thr) has been reported in an individual with biliary atresia and in a cohort of patients with cholestatic liver disease (Laochareonsuk et al. 2022. PubMed ID: 36350824; Cao et al. 2024. PubMed ID: 38610052). At this time, the clinical significance of this variant is uncertain due to the absence of conclusive functional and genetic evidence.

Revvity Omics, Revvity
Classification: Uncertain significance. Last evaluated: 2021-04-07. Review status: criteria provided, single submitter. Criteria: ACMG Guidelines, 2015. Collection method: clinical testing. Allele origin: germline.

Eurofins Ntd Llc (ga)
Classification: Uncertain significance. Last evaluated: 2017-07-19. Review status: criteria provided, single submitter. Criteria: EGL Classification Definitions 2015. Collection method: clinical testing. Allele origin: germline. Observed: 2 variant alleles, 2 heterozygotes.